The following is an entry in ClinVar:

NM_006258.4(PRKG1):c.44T>A (p.Ile15Asn)

Gene: PRKG1 (protein kinase cGMP-dependent 1; plus strand). Cytogenetic location: 10q11.23.
Variant type: single nucleotide variant.
Coding change: c.44T>A on transcript NM_006258.4 (MANE Select); coding-DNA position 44, T replaced by A.
Protein change: p.Ile15Asn; replaces isoleucine 15 with asparagine.
Molecular consequence: missense variant. On other transcripts: intron variant (1).
Genome position (GRCh38, 1-based): chr10:51,074,634, T>A. VCF-style: chr10-51074634-T-A. GRCh37 (hg19) VCF-style: chr10-52834394-T-A.
Other names: c.44T>A, p.Ile15Asn (NM_001374782.1); c.267-78530T>A (NM_001098512.3); short protein forms I15N.
Identifiers: ClinVar variation 3310202 (VCV003310202.3).

ClinVar aggregate classification (germline): Uncertain significance. Review status: criteria provided, multiple submitters, no conflicts (2 of 4 stars). 2 submissions from 2 submitters: Uncertain significance (2). Last evaluated 2024-04-15.

Conditions:
Familial thoracic aortic aneurysm and aortic dissection (TAAD). Also called: Thoracic aortic aneurysms and dissections. Identifiers: Orphanet 91387, MedGen C4707243, MONDO:0019625.
Aortic aneurysm, familial thoracic 8 (AAT8). Identifiers: MedGen C3809513, MONDO:0014187, OMIM 615436.

Submissions (2):

Labcorp Genetics (formerly Invitae), Labcorp
Classification: Uncertain significance for Aortic aneurysm, familial thoracic 8. Last evaluated: 2024-04-15. Review status: criteria provided, single submitter. Criteria: Invitae Variant Classification Sherloc (09022015). Collection method: clinical testing. Allele origin: germline.
Comment: This sequence change replaces isoleucine, which is neutral and non-polar, with asparagine, which is neutral and polar, at codon 15 of the PRKG1 protein (p.Ile15Asn). This variant is not present in population databases (gnomAD no frequency). This variant has not been reported in the literature in individuals affected with PRKG1-related conditions. An algorithm developed to predict the effect of missense changes on protein structure and function (PolyPhen-2) suggests that this variant is likely to be tolerated. In summary, the available evidence is currently insufficient to determine the role of this variant in disease. Therefore, it has been classified as a Variant of Uncertain Significance.

Ambry Genetics
Classification: Uncertain significance for Familial thoracic aortic aneurysm and aortic dissection. Last evaluated: 2024-04-08. Review status: criteria provided, single submitter. Criteria: Ambry Variant Classification Scheme 2023. Collection method: clinical testing. Allele origin: germline.
Comment: The p.I15N variant (also known as c.44T>A), located in coding exon 1 of the PRKG1 gene, results from a T to A substitution at nucleotide position 44. The isoleucine at codon 15 is replaced by asparagine, an amino acid with dissimilar properties. This amino acid position is conserved. In addition, this alteration is predicted to be tolerated by in silico analysis. Based on the available evidence, the clinical significance of this variant remains unclear.